The following is an entry in ClinVar:

NM_000051.4(ATM):c.2553T>A (p.Asp851Glu)

Gene: ATM (ATM serine/threonine kinase; plus strand). Cytogenetic location: 11q22.3.
Variant type: single nucleotide variant.
Coding change: c.2553T>A on transcript NM_000051.4 (MANE Select); coding-DNA position 2553, T replaced by A.
Protein change: p.Asp851Glu; replaces aspartic acid 851 with glutamic acid.
Molecular consequence: missense variant.
Genome position (GRCh38, 1-based): chr11:108,267,257, T>A. VCF-style: chr11-108267257-T-A. GRCh37 (hg19) VCF-style: chr11-108137984-T-A.
Other names: c.2553T>A, p.Asp851Glu (NM_001351834.2); short protein forms D851E.
Identifiers: ClinVar variation 453421 (VCV000453421.13), dbSNP rs1064793513, ClinGen allele CA382543740.

ClinVar aggregate classification (germline): Conflicting classifications of pathogenicity. Review status: criteria provided, conflicting classifications (1 of 4 stars). 3 submissions from 3 submitters: Uncertain significance (2); Likely benign (1). Last evaluated 2025-09-27.

Conditions:
Hereditary cancer-predisposing syndrome. Also called: Tumor predisposition; Hereditary Cancer Syndrome; Neoplastic Syndromes, Hereditary; Hereditary neoplastic syndrome. Identifiers: Orphanet 140162, MedGen C0027672, MeSH D009386, MONDO:0015356.
Ataxia-telangiectasia syndrome (AT). Also called: Cerebello-oculocutaneous telangiectasia; Immunodeficiency with ataxia telangiectasia; Ataxia-telangiectasia, complementation group D; AT, COMPLEMENTATION GROUP C; Ataxia-telangiectasia, complementation group E; LOUIS-BAR SYNDROME. Identifiers: Orphanet 100, MedGen C0004135, MONDO:0008840, OMIM 208900.

Submissions (3):

Labcorp Genetics (formerly Invitae), Labcorp
Classification: Uncertain significance for Ataxia-telangiectasia syndrome. Last evaluated: 2025-09-27. Review status: criteria provided, single submitter. Criteria: Invitae Variant Classification Sherloc (09022015). Collection method: clinical testing. Allele origin: germline.
Comment: This sequence change replaces aspartic acid, which is acidic and polar, with glutamic acid, which is acidic and polar, at codon 851 of the ATM protein (p.Asp851Glu). This variant is not present in population databases (gnomAD no frequency). This missense change has been observed in individual(s) with ATM-related conditions (PMID: 34262154). ClinVar contains an entry for this variant (Variation ID: 453421). Invitae Evidence Modeling of protein sequence and biophysical properties (such as structural, functional, and spatial information, amino acid conservation, physicochemical variation, residue mobility, and thermodynamic stability) indicates that this missense variant is not expected to disrupt ATM protein function with a negative predictive value of 95%. In summary, the available evidence is currently insufficient to determine the role of this variant in disease. Therefore, it has been classified as a Variant of Uncertain Significance.

Women's Health and Genetics/Laboratory Corporation of America, LabCorp
Classification: Uncertain significance. Last evaluated: 2024-04-25. Review status: criteria provided, single submitter. Criteria: LabCorp Variant Classification Summary - May 2015. Collection method: clinical testing. Allele origin: germline.

Ambry Genetics
Classification: Likely benign for Hereditary cancer-predisposing syndrome. Last evaluated: 2024-03-14. Review status: criteria provided, single submitter. Criteria: Ambry Variant Classification Scheme 2023. Collection method: clinical testing. Allele origin: germline.

Literature cited by the submitters: PubMed 34262154 (cited by Labcorp Genetics (formerly Invitae), Labcorp).